The following is an entry in ClinVar:

ClinVar aggregate classification (germline): Uncertain significance. Review status: criteria provided, multiple submitters, no conflicts (2 of 4 stars). 2 submissions from 2 submitters: Uncertain significance (2). Last evaluated 2025-02-12.

Allele frequency attached by ClinVar (database versions not stated): TOPMed 0.00001; ESP Exome Variant Server 0.00008.
gnomAD v4.1: 17 of 1,612,224 alleles (0.0011%); highest among the groups gnomAD compares: Non-Finnish European, 0.0014%; no homozygotes.

Submissions (2):

Ambry Genetics
Classification: Uncertain significance. Last evaluated: 2025-02-12. Review status: criteria provided, single submitter. Criteria: Ambry Variant Classification Scheme 2023. Collection method: clinical testing. Allele origin: germline.

Labcorp Genetics (formerly Invitae), Labcorp
Classification: Uncertain significance. Last evaluated: 2022-02-28. Review status: criteria provided, single submitter. Criteria: Invitae Variant Classification Sherloc (09022015). Collection method: clinical testing. Allele origin: germline.
Comment: In summary, the available evidence is currently insufficient to determine the role of this variant in disease. Therefore, it has been classified as a Variant of Uncertain Significance. Algorithms developed to predict the effect of missense changes on protein structure and function are either unavailable or do not agree on the potential impact of this missense change (SIFT: "Deleterious"; PolyPhen-2: "Possibly Damaging"; Align-GVGD: "Class C0"). This variant has not been reported in the literature in individuals affected with CLIC5-related conditions. This variant is present in population databases (rs372300556, gnomAD 0.004%). This sequence change replaces arginine, which is basic and polar, with glutamine, which is neutral and polar, at codon 375 of the CLIC5 protein (p.Arg375Gln).

NM_016929.5(CLIC5):c.647G>A (p.Arg216Gln)

Gene: CLIC5 (chloride intracellular channel 5; minus strand). Cytogenetic location: 6p21.1.
Variant type: single nucleotide variant.
Coding change: c.647G>A on transcript NM_016929.5 (MANE Select); coding-DNA position 647, G replaced by A.
Protein change: p.Arg216Gln; replaces arginine 216 with glutamine.
Molecular consequence: missense variant. On other transcripts: non-coding transcript variant (2).
Genome position (GRCh38, 1-based): chr6:45,903,197, C>T on the plus strand (G>A on the coding strand, the complement: CLIC5 is on the minus strand). VCF-style: chr6-45903197-C-T. GRCh37 (hg19) VCF-style: chr6-45870934-C-T.
Other names: c.1124G>A, p.Arg375Gln (NM_001114086.2, NM_001370650.1); c.530G>A, p.Arg177Gln (NM_001370649.1); short protein forms R375Q, R177Q, R216Q.
Identifiers: ClinVar variation 1925217 (VCV001925217.7), dbSNP rs372300556, ClinGen allele CA3836701.